The following is an entry in ClinVar:

ClinVar aggregate classification (germline): Uncertain significance. Review status: criteria provided, multiple submitters, no conflicts (2 of 4 stars). 4 submissions from 4 submitters: Uncertain significance (3). 1 of the submissions does not count toward it. Last evaluated 2025-04-12.

Conditions:
Inborn genetic diseases. Identifiers: MedGen C0950123, MeSH D030342.
Usher syndrome type 1B (USH1B). Also called: Usher syndrome type IB. Identifiers: MedGen C1848638, MONDO:0700087.

Allele frequency attached by ClinVar (database versions not stated): gnomAD 0.00001.
gnomAD v4.1: 5 of 1,612,060 alleles (0.00031%); highest among the groups gnomAD compares: Admixed American, 0.0067%; no homozygotes.

Submissions (4):

Ambry Genetics
Classification: Uncertain significance for Inborn genetic diseases. Last evaluated: 2025-04-12. Review status: criteria provided, single submitter. Criteria: Ambry Variant Classification Scheme 2023. Collection method: clinical testing. Allele origin: germline.

Women's Health and Genetics/Laboratory Corporation of America, LabCorp
Classification: Uncertain significance. Last evaluated: 2025-02-18. Review status: criteria provided, single submitter. Criteria: LabCorp Variant Classification Summary - May 2015. Collection method: clinical testing. Allele origin: germline.
Comment: Variant summary: MYO7A c.64G>T (p.Val22Leu) results in a conservative amino acid change in the encoded protein sequence. Three of five in-silico tools predict a benign effect of the variant on protein function. The variant allele was found at a frequency of 8.2e-06 in 244926 control chromosomes. The available data on variant occurrences in the general population are insufficient to allow any conclusion about variant significance. To our knowledge, no occurrence of c.64G>T in individuals affected with Usher Syndrome and no experimental evidence demonstrating its impact on protein function have been reported. ClinVar contains an entry for this variant (Variation ID: 1200213). Based on the evidence outlined above, the variant was classified as uncertain significance.

GeneDx
Classification: Uncertain significance. Last evaluated: 2024-12-02. Review status: criteria provided, single submitter. Criteria: GeneDx Variant Classification Process June 2021. Collection method: clinical testing. Allele origin: germline. Affected: yes.
Comment: In silico analysis supports that this missense variant has a deleterious effect on protein structure/function; Has not been previously published as pathogenic or benign to our knowledge

Natera, Inc.
Classification: Uncertain significance for Usher syndrome type 1B. Last evaluated: 2020-10-13. Review status: no assertion criteria provided. Collection method: clinical testing. Allele origin: germline. Not counted in ClinVar's aggregate classification.

NM_000260.4(MYO7A):c.64G>T (p.Val22Leu)

Gene: MYO7A (myosin VIIA; plus strand). Cytogenetic location: 11q13.5.
Variant type: single nucleotide variant.
Coding change: c.64G>T on transcript NM_000260.4 (MANE Select); coding-DNA position 64, G replaced by T.
Protein change: p.Val22Leu; replaces valine 22 with leucine.
Molecular consequence: missense variant.
Genome position (GRCh38, 1-based): chr11:77,142,754, G>T. VCF-style: chr11-77142754-G-T. GRCh37 (hg19) VCF-style: chr11-76853800-G-T.
Other names: c.64G>T, p.Val22Leu (NM_001127180.2); c.31G>T, p.Val11Leu (NM_001369365.1); short protein forms V11L, V22L.
Identifiers: ClinVar variation 1200213 (VCV001200213.9), dbSNP rs376701580, ClinGen allele CA6197018.